The following is an entry in ClinVar:

NM_020778.5(ALPK3):c.1954C>T (p.Gln652Ter)

Gene: ALPK3 (alpha kinase 3; plus strand). Cytogenetic location: 15q25.3.
Variant type: single nucleotide variant.
Coding change: c.1954C>T on transcript NM_020778.5 (MANE Select); coding-DNA position 1954, C replaced by T.
Protein change: p.Gln652Ter; replaces glutamine 652 with a stop codon.
Molecular consequence: nonsense.
Genome position (GRCh38, 1-based): chr15:84,856,692, C>T. VCF-style: chr15-84856692-C-T. GRCh37 (hg19) VCF-style: chr15-85399923-C-T.
Other names: short protein forms Q652*.
Identifiers: ClinVar variation 4813482 (VCV004813482.1).

ClinVar aggregate classification (germline): Likely pathogenic (1 of 4 stars; one submission).

Conditions:
Cardiomyopathy, familial hypertrophic 27. Identifiers: MedGen C4748014, MONDO:0054838, OMIM 618052.

gnomAD v4.1: 2 of 1,614,002 alleles (0.00012%); highest among the groups gnomAD compares: Non-Finnish European, 0.00017%; no homozygotes.

Submission:

MVZ Praenatalmedizin und Genetik Nuernberg
Classification: Likely pathogenic for Cardiomyopathy, familial hypertrophic 27. Last evaluated: 2024-02-23. Review status: criteria provided, single submitter. Criteria: ACMG Guidelines, 2015. Collection method: clinical testing. Allele origin: biparental. Affected: yes.
Comment: The variant leads to the introduction of a premature stop codon (p.(Gln652*)). It has not yet been detected in the general population (gnomAD) nor described in the literature. In the immediate vicinity and also further downstream of the mutation, many truncating ALPK3 variants are annotated as pathogenic. Loss of function is therefore a typical pathomechanism. In summary, based on the current data, we assess this to be a likely pathogenic mutation.